The following is an entry in ClinVar:

ClinVar aggregate classification (germline): Uncertain significance (1 of 4 stars; one submission).

Conditions:
Evans syndrome, immunodeficiency, and premature immunosenescence associated with tripeptidyl-peptidase II deficiency. Identifiers: MedGen CN231723. Disease mechanism: loss of function.

Allele frequency attached by ClinVar (database versions not stated): gnomAD exomes below 0.00001; ExAC 0.00001.
gnomAD v4.1: 1 of 1,613,626 alleles (0.000062%); highest among the groups gnomAD compares: Non-Finnish European, 0.000085%; no homozygotes.

Submission:

Labcorp Genetics (formerly Invitae), Labcorp
Classification: Uncertain significance for Evans syndrome, immunodeficiency, and premature immunosenescence associated with tripeptidyl-peptidase II deficiency. Last evaluated: 2019-12-26. Review status: criteria provided, single submitter. Criteria: Invitae Variant Classification Sherloc (09022015). Collection method: clinical testing. Allele origin: germline.
Comment: This sequence change replaces phenylalanine with valine at codon 120 of the TPP2 protein (p.Phe120Val). The phenylalanine residue is moderately conserved and there is a small physicochemical difference between phenylalanine and valine. This variant is present in population databases (rs753366497, ExAC 0.002%). This variant has not been reported in the literature in individuals with TPP2-related conditions. Algorithms developed to predict the effect of missense changes on protein structure and function (SIFT, PolyPhen-2, Align-GVGD) all suggest that this variant is likely to be tolerated, but these predictions have not been confirmed by published functional studies and their clinical significance is uncertain. In summary, the available evidence is currently insufficient to determine the role of this variant in disease. Therefore, it has been classified as a Variant of Uncertain Significance.

NM_001330588.2(TPP2):c.358T>G (p.Phe120Val)

Gene: TPP2 (tripeptidyl peptidase 2; plus strand). Cytogenetic location: 13q33.1.
Variant type: single nucleotide variant.
Coding change: c.358T>G on transcript NM_001330588.2 (MANE Select); coding-DNA position 358, T replaced by G.
Protein change: p.Phe120Val; replaces phenylalanine 120 with valine.
Molecular consequence: missense variant. On other transcripts: non-coding transcript variant (1).
Genome position (GRCh38, 1-based): chr13:102,614,164, T>G. VCF-style: chr13-102614164-T-G. GRCh37 (hg19) VCF-style: chr13-103266514-T-G.
Other names: c.358T>G, p.Phe120Val (NM_001367947.1, NM_003291.4); short protein forms F120V.
Identifiers: ClinVar variation 851284 (VCV000851284.1), dbSNP rs753366497, ClinGen allele CA7037488.
Genomic context (GRCh38, chr13:102,614,164, plus strand): 5'-CCTGCAAGCTGGACAAATCCCTCAGGCAAATATCATATTGGCATAAAAAATGGCTATGAC[T>G]TCTATCCTAAGGCACTCAAGGAAAGGATACAGGTAATGTACAATCTGGTACCAATGAGTT-3'
Protein context (NP_001317517.1, residues 110-130): YHIGIKNGYD[Phe120Val]YPKALKERIQ